The following is an entry in ClinVar:

NM_205836.3(FBXO38):c.209T>C (p.Val70Ala)

Gene: FBXO38 (F-box protein 38; plus strand). Cytogenetic location: 5q32.
Variant type: single nucleotide variant.
Coding change: c.209T>C on transcript NM_205836.3 (MANE Select); coding-DNA position 209, T replaced by C.
Protein change: p.Val70Ala; replaces valine 70 with alanine.
Molecular consequence: missense variant.
Genome position (GRCh38, 1-based): chr5:148,399,079, T>C. VCF-style: chr5-148399079-T-C. GRCh37 (hg19) VCF-style: chr5-147778642-T-C.
Other names: c.209T>C, p.Val70Ala (NM_001271723.2, NM_030793.5); short protein forms V70A.
Identifiers: ClinVar variation 2829057 (VCV002829057.3), dbSNP rs2531697413, ClinGen allele CA361654226.

ClinVar aggregate classification (germline): Uncertain significance (1 of 4 stars; one submission).

Conditions:
Distal hereditary motor neuropathy type 2. Identifiers: Orphanet 139525, MedGen C3711384, MeSH C580044, MONDO:0015352.

Submission:

Labcorp Genetics (formerly Invitae), Labcorp
Classification: Uncertain significance for Distal hereditary motor neuropathy type 2. Last evaluated: 2023-01-16. Review status: criteria provided, single submitter. Criteria: Invitae Variant Classification Sherloc (09022015). Collection method: clinical testing. Allele origin: germline.
Comment: This variant has not been reported in the literature in individuals affected with FBXO38-related conditions. This variant is not present in population databases (gnomAD no frequency). This sequence change replaces valine, which is neutral and non-polar, with alanine, which is neutral and non-polar, at codon 70 of the FBXO38 protein (p.Val70Ala). In summary, the available evidence is currently insufficient to determine the role of this variant in disease. Therefore, it has been classified as a Variant of Uncertain Significance. Advanced modeling of protein sequence and biophysical properties (such as structural, functional, and spatial information, amino acid conservation, physicochemical variation, residue mobility, and thermodynamic stability) has been performed at Invitae for this missense variant, however the output from this modeling did not meet the statistical confidence thresholds required to predict the impact of this variant on FBXO38 protein function.